The following is an entry in ClinVar:

ClinVar aggregate classification (germline): Benign. Review status: criteria provided, multiple submitters, no conflicts (2 of 4 stars). 2 submissions from 2 submitters: Benign (2). Last evaluated 2018-01-13.

Conditions:
Hereditary fructosuria. Also called: Fructose intolerance; ALDOB DEFICIENCY; ALDOLASE B DEFICIENCY; FRUCTOSE-1,6-BISPHOSPHATE ALDOLASE B DEFICIENCY; FRUCTOSE-1-PHOSPHATE ALDOLASE DEFICIENCY; FRUCTOSEMIA. Identifiers: Orphanet 469, MedGen C0016751, MONDO:0009249, OMIM 229600, HP:0005973. Disease mechanism: loss of function.

Allele frequency attached by ClinVar (database versions not stated): gnomAD 0.00174 and 0.00241; TOPMed 0.00360; 1000 Genomes Project 30x 0.01140; 1000 Genomes Project 0.01178.

Submissions (2):

Illumina Laboratory Services, Illumina
Classification: Benign for Hereditary fructosuria. Last evaluated: 2018-01-13. Review status: criteria provided, single submitter. Criteria: ICSL Variant Classification Criteria 13 December 2019. Collection method: clinical testing. Allele origin: germline.
Comment: This variant was observed in the ICSL laboratory as part of a predisposition screen in an ostensibly healthy population. It had not been previously curated by ICSL or reported in the Human Gene Mutation Database (HGMD: prior to June 1st, 2018), and was therefore a candidate for classification through an automated scoring system. Utilizing variant allele frequency, disease prevalence and penetrance estimates, and inheritance mode, an automated score was calculated to assess if this variant is too frequent to cause the disease. Based on the score and internal cut-off values, a variant classified as benign is not then subjected to further curation. The score for this variant resulted in a classification of benign for this disease.

Breakthrough Genomics
Classification: Benign. Review status: criteria provided, single submitter. Criteria: ACMG Guidelines, 2015. Collection method: not provided. Allele origin: germline. Inheritance: Autosomal recessive inheritance. Affected: yes.

NM_000035.4(ALDOB):c.*1003A>G

Gene: ALDOB (aldolase, fructose-bisphosphate B; minus strand). Cytogenetic location: 9q31.1.
Variant type: single nucleotide variant.
Coding change: c.*1003A>G on transcript NM_000035.4 (MANE Select); 1003 bases downstream of the stop codon, A replaced by G.
Molecular consequence: 3 prime UTR variant.
Genome position (GRCh38, 1-based): chr9:101,420,806, T>C on the plus strand (A>G on the coding strand, the complement: ALDOB is on the minus strand). VCF-style: chr9-101420806-T-C. GRCh37 (hg19) VCF-style: chr9-104183088-T-C.
Other names: c.*1003A>G (LRG_1244t1).
Identifiers: ClinVar variation 364289 (VCV000364289.6), dbSNP rs80292759, ClinGen allele CA10631887.